The following is an entry in ClinVar:

ClinVar aggregate classification (germline): Likely pathogenic (1 of 4 stars; one submission).

Submission:

Labcorp Genetics (formerly Invitae), Labcorp
Classification: Likely pathogenic. Last evaluated: 2023-08-06. Review status: criteria provided, single submitter. Criteria: Invitae Variant Classification Sherloc (09022015). Collection method: clinical testing. Allele origin: unknown.
Comment: Experimental studies and prediction algorithms are not available or were not evaluated, and the functional significance of this variant is currently unknown. In summary, the currently available evidence indicates that the variant is pathogenic, but additional data are needed to prove that conclusively. Therefore, this variant has been classified as Likely Pathogenic. This variant has not been reported in the literature in individuals affected with TG-related conditions. This variant results in the deletion of part of exon 17 (c.3634+301_3777del) of the TG gene. It is expected to disrupt RNA splicing. Variants that disrupt the donor or acceptor splice site typically lead to a loss of protein function (PMID: 16199547), and loss-of-function variants in TG are known to be pathogenic (PMID: 19837936, 23164529).

Literature cited by the submitters: PubMed 16199547; PubMed 19837936; PubMed 23164529.

NC_000008.10:g.(?_133914099)_(133919075_?)del

Gene: TG (thyroglobulin; plus strand). Cytogenetic location: 8q24.22.
Variant type: Deletion.
Identifiers: ClinVar variation 3245570 (VCV003245570.1).